The following is an entry in ClinVar:

ClinVar aggregate classification (germline): Uncertain significance (0 of 4 stars; one submission).

Conditions:
ITSN1-related disorder. Also called: ITSN1-related condition.

Submission:

PreventionGenetics, part of Exact Sciences
Classification: Uncertain significance for ITSN1-related condition. Last evaluated: 2024-03-06. Review status: no assertion criteria provided. Collection method: clinical testing. Allele origin: germline.
Comment: The ITSN1 c.653delC variant is predicted to result in a frameshift and premature protein termination (p.Pro218Leufs*6). To our knowledge, this variant has not been reported in the literature. This variant is reported in 0.011% of alleles in individuals of African descent in gnomAD. Currently, this gene-disease association is considered provisional. Although we suspect that this variant may be pathogenic, at this time, the clinical significance of this variant is uncertain due to the absence of conclusive functional and genetic evidence.

NM_003024.3(ITSN1):c.653del (p.Pro218fs)

Gene: ITSN1 (intersectin 1; plus strand). Cytogenetic location: 21q22.11.
Variant type: Deletion.
Coding change: c.653del on transcript NM_003024.3 (MANE Select); coding-DNA position 653, one base deleted (C; older notation c.653delC).
Protein change: p.Pro218fs; shifts the reading frame from proline 218.
Molecular consequence: frameshift variant.
Genome position (GRCh38, 1-based): chr21:33,755,326, C deleted; the last of 2 consecutive C bases (chr21:33,755,325-33,755,326); deleting either gives the same sequence. VCF-style (leftmost placement, unchanged base first): chr21-33755324-TC-T. GRCh37 (hg19) VCF-style: chr21-35127629-TC-T.
Other names: c.653del, p.Pro218fs (NM_001001132.2, NM_001331008.2, NM_001331009.2 and 2 more transcripts); c.542del, p.Pro181fs (NM_001331012.2); short protein forms P181fs, P218fs.
Identifiers: ClinVar variation 3348430 (VCV003348430.1).
Genomic context (GRCh38, chr21:33,755,324, plus strand): 5'-ATCCTCTTTCTCTCCTTTTTCTTTTCCCCACAGTGTCCCACCAGTGGCAGAGTGGGCTGT[TC>T]CTCAGTCATCAAGACTGAAATACAGGCAATTATTCAATAGTCATGACAAAACTATGAGTG-3'